The following is an entry in ClinVar:

ClinVar aggregate classification (germline): Uncertain significance (1 of 4 stars; one submission).

Conditions:
Diffuse cerebral and cerebellar atrophy - intractable seizures - progressive microcephaly syndrome. Also called: Microcephaly, progressive, with seizures and cerebral and cerebellar atrophy. Identifiers: Orphanet 404437, MedGen C4014239, MONDO:0014335, OMIM 615760.

Allele frequency attached by ClinVar (database versions not stated): ExAC 0.00002; gnomAD exomes 0.00002; TOPMed 0.00007; gnomAD 0.00008 and 0.00009; ESP Exome Variant Server 0.00015.
gnomAD v4.1: 21 of 1,612,986 alleles (0.0013%); highest among the groups gnomAD compares: African/African-American, 0.025%; no homozygotes.

Submission:

Labcorp Genetics (formerly Invitae), Labcorp
Classification: Uncertain significance for Diffuse cerebral and cerebellar atrophy - intractable seizures - progressive microcephaly syndrome. Last evaluated: 2022-08-09. Review status: criteria provided, single submitter. Criteria: Invitae Variant Classification Sherloc (09022015). Collection method: clinical testing. Allele origin: germline.
Comment: This sequence change falls in intron 4 of the QARS gene. It does not directly change the encoded amino acid sequence of the QARS protein. It affects a nucleotide within the consensus splice site. This variant is present in population databases (rs376304606, gnomAD 0.04%). This variant has not been reported in the literature in individuals affected with QARS-related conditions. ClinVar contains an entry for this variant (Variation ID: 947945). Variants that disrupt the consensus splice site are a relatively common cause of aberrant splicing (PMID: 17576681, 9536098). Algorithms developed to predict the effect of sequence changes on RNA splicing suggest that this variant may disrupt the consensus splice site. In summary, the available evidence is currently insufficient to determine the role of this variant in disease. Therefore, it has been classified as a Variant of Uncertain Significance.

Literature cited by the submitters: PubMed 17576681; PubMed 9536098.

NM_005051.3(QARS1):c.451+5G>C

Gene: QARS1 (glutaminyl-tRNA synthetase 1; minus strand). Cytogenetic location: 3p21.31.
Variant type: single nucleotide variant.
Coding change: c.451+5G>C on transcript NM_005051.3 (MANE Select); 5 bases into the intron after coding-DNA position 451, G replaced by C.
Molecular consequence: intron variant.
Genome position (GRCh38, 1-based): chr3:49,103,626, C>G on the plus strand (G>C on the coding strand, the complement: QARS1 is on the minus strand). VCF-style: chr3-49103626-C-G. GRCh37 (hg19) VCF-style: chr3-49141059-C-G.
Other names: c.418+5G>C (NM_001272073.2).
Identifiers: ClinVar variation 947945 (VCV000947945.4), dbSNP rs376304606, ClinGen allele CA2392170.